The following is an entry in ClinVar:

NM_000393.5(COL5A2):c.1687C>T (p.Pro563Ser)

Gene: COL5A2 (collagen type V alpha 2 chain; minus strand). Cytogenetic location: 2q32.2.
Variant type: single nucleotide variant.
Coding change: c.1687C>T on transcript NM_000393.5 (MANE Select); coding-DNA position 1687, C replaced by T.
Protein change: p.Pro563Ser; replaces proline 563 with serine.
Molecular consequence: missense variant.
Genome position (GRCh38, 1-based): chr2:189,064,586, G>A on the plus strand (C>T on the coding strand, the complement: COL5A2 is on the minus strand). VCF-style: chr2-189064586-G-A. GRCh37 (hg19) VCF-style: chr2-189929312-G-A.
Other names: short protein forms P563S.
Identifiers: ClinVar variation 5034841 (VCV005034841.1).

ClinVar aggregate classification (germline): Uncertain significance (1 of 4 stars; one submission).

Conditions:
Familial thoracic aortic aneurysm and aortic dissection (TAAD). Also called: Thoracic aortic aneurysms and dissections. Identifiers: Orphanet 91387, MedGen C4707243, MONDO:0019625.

Submission:

Ambry Genetics
Classification: Uncertain significance for Familial thoracic aortic aneurysm and aortic dissection. Last evaluated: 2026-08-29. Review status: criteria provided, single submitter. Criteria: Ambry Variant Classification Scheme 2023. Collection method: clinical testing. Allele origin: germline.
Comment: The p.P563S variant (also known as c.1687C>T), located in coding exon 25 of the COL5A2 gene, results from a C to T substitution at nucleotide position 1687. The proline at codon 563 is replaced by serine, an amino acid with similar properties. This amino acid position is conserved. In addition, the in silico prediction for this alteration is inconclusive. Based on the available evidence, the clinical significance of this variant remains unclear.